The following is an entry in ClinVar:

NM_005866.4(SIGMAR1):c.452C>T (p.Thr151Met)

Gene: SIGMAR1 (sigma receptor chaperone 1; minus strand). Cytogenetic location: 9p13.3.
Variant type: single nucleotide variant.
Coding change: c.452C>T on transcript NM_005866.4 (MANE Select); coding-DNA position 452, C replaced by T.
Protein change: p.Thr151Met; replaces threonine 151 with methionine.
Molecular consequence: missense variant. On other transcripts: synonymous variant (1), non-coding transcript variant (1), intron variant (1).
Genome position (GRCh38, 1-based): chr9:34,635,852, G>A on the plus strand (C>T on the coding strand, the complement: SIGMAR1 is on the minus strand). VCF-style: chr9-34635852-G-A. GRCh37 (hg19) VCF-style: chr9-34635849-G-A.
Other names: c.152C>T, p.Thr51Met (NM_001282206.2); c.392C>T, p.Thr131Met (NM_001282207.2); c.475C>T, p.Arg159Trp (NM_001282208.2); c.312C>T, p.Asp104= (NM_001282209.2); c.359C>T, p.Thr120Met (NM_147157.3); c.446-212C>T (NM_001282205.2); short protein forms T151M, T51M, R159W, T120M, T131M.
Identifiers: ClinVar variation 1417748 (VCV001417748.8), dbSNP rs745503254, ClinGen allele CA192661282.

ClinVar aggregate classification (germline): Uncertain significance. Review status: criteria provided, multiple submitters, no conflicts (2 of 4 stars). 2 submissions from 2 submitters: Uncertain significance (2). Last evaluated 2025-04-10.

Conditions:
Inborn genetic diseases. Identifiers: MedGen C0950123, MeSH D030342.
Autosomal recessive distal spinal muscular atrophy 2. Also called: NEUROPATHY, DISTAL HEREDITARY MOTOR, AUTOSOMAL RECESSIVE 2; NEURONOPATHY, DISTAL HEREDITARY MOTOR, JERASH TYPE; NEUROPATHY, DISTAL HEREDITARY MOTOR, JERASH TYPE; SPINAL MUSCULAR ATROPHY, JERASH TYPE; Hereditary motor neuropathy, Jerash type; Motor neuropathy, distal, Jerash type. Identifiers: Orphanet 139552, MedGen C1854023, MONDO:0011585, OMIM 605726.
Amyotrophic lateral sclerosis type 16. Also called: AMYOTROPHIC LATERAL SCLEROSIS 16, JUVENILE. Identifiers: Orphanet 300605, MedGen C3280587, MONDO:0013715, OMIM 614373.

Allele frequency attached by ClinVar (database versions not stated): TOPMed 0.00002; gnomAD exomes 0.00001; gnomAD 0.00001.

Submissions (2):

Ambry Genetics
Classification: Uncertain significance for Inborn genetic diseases. Last evaluated: 2025-04-10. Review status: criteria provided, single submitter. Criteria: Ambry Variant Classification Scheme 2023. Collection method: clinical testing. Allele origin: germline.

Labcorp Genetics (formerly Invitae), Labcorp
Classification: Uncertain significance for Autosomal recessive distal spinal muscular atrophy 2; Amyotrophic lateral sclerosis type 16. Last evaluated: 2022-08-12. Review status: criteria provided, single submitter. Criteria: Invitae Variant Classification Sherloc (09022015). Collection method: clinical testing. Allele origin: germline.
Comment: This sequence change replaces threonine, which is neutral and polar, with methionine, which is neutral and non-polar, at codon 151 of the SIGMAR1 protein (p.Thr151Met). This variant is present in population databases (rs745503254, gnomAD 0.006%). This variant has not been reported in the literature in individuals affected with SIGMAR1-related conditions. ClinVar contains an entry for this variant (Variation ID: 1417748). Algorithms developed to predict the effect of missense changes on protein structure and function are either unavailable or do not agree on the potential impact of this missense change (SIFT: "Deleterious"; PolyPhen-2: "Probably Damaging"; Align-GVGD: "Class C15"). In summary, the available evidence is currently insufficient to determine the role of this variant in disease. Therefore, it has been classified as a Variant of Uncertain Significance.